The following is an entry in ClinVar:

ClinVar aggregate classification (germline): Uncertain significance (1 of 4 stars; one submission).

Conditions:
Very long chain acyl-CoA dehydrogenase deficiency (ACADVLD). Also called: Very Long-Chain Acyl-Coenzyme A Dehydrogenase Deficiency; VLCAD Deficiency. Identifiers: Orphanet 26793, MedGen C3887523, MONDO:0008723, OMIM 201475.

Submission:

Wong Mito Lab, Molecular and Human Genetics, Baylor College of Medicine
Classification: Uncertain significance for Very long chain acyl-CoA dehydrogenase deficiency. Last evaluated: 2019-11-01. Review status: criteria provided, single submitter. Criteria: ACMG Guidelines, 2015. Collection method: clinical testing. Allele origin: germline.
Comment: The NM_000018.3:c.1391C>G (NP_000009.1:p.Thr464Arg) [GRCH38: NC_000017.11:g.7224026C>G] variant in ACADVL gene is interpretated to be Uncertain Significance based on ACMG guidelines (PMID: 25741868). This variant has been reported. This variant meets the following evidence codes reported in the ACMG guidelines: PP3

NM_000018.4(ACADVL):c.1391C>G (p.Thr464Arg)

Gene: ACADVL (acyl-CoA dehydrogenase very long chain; plus strand). Cytogenetic location: 17p13.1.
Variant type: single nucleotide variant.
Coding change: c.1391C>G on transcript NM_000018.4 (MANE Select); coding-DNA position 1391, C replaced by G.
Protein change: p.Thr464Arg; replaces threonine 464 with arginine.
Molecular consequence: missense variant.
Genome position (GRCh38, 1-based): chr17:7,224,026, C>G. VCF-style: chr17-7224026-C-G. GRCh37 (hg19) VCF-style: chr17-7127345-C-G.
Other names: c.1325C>G, p.Thr442Arg (NM_001033859.3); c.1460C>G, p.Thr487Arg (NM_001270447.2); c.1163C>G, p.Thr388Arg (NM_001270448.2); short protein forms T388R, T442R, T464R, T487R.
Identifiers: ClinVar variation 932808 (VCV000932808.2), dbSNP rs1555528796, ClinGen allele CA397725016.
Genomic context (GRCh38, chr17:7,224,026, plus strand): 5'-AGGAACCTGGAGTAGAGCGTGTGCTCCGAGATCTTCGCATCTTCCGGATCTTTGAGGGGA[C>G]AAATGACATTCTTCGGCTGTTTGTGGCTCTGCAGGGCTGTATGGTAAGACAGAGAATTGG-3'
Protein context (NP_000009.1, residues 454-474): DLRIFRIFEG[Thr464Arg]NDILRLFVAL